The following is an entry in ClinVar:

NM_153717.3(EVC):c.1373del (p.Gly458fs)

Gene: EVC (EvC ciliary complex subunit 1; plus strand). Cytogenetic location: 4p16.2.
Variant type: Deletion.
Coding change: c.1373del on transcript NM_153717.3 (MANE Select); coding-DNA position 1373, one base deleted (G; older notation c.1373delG).
Protein change: p.Gly458fs; shifts the reading frame from glycine 458.
Molecular consequence: frameshift variant.
Genome position (GRCh38, 1-based): chr4:5,753,842, G deleted; the last of 3 consecutive G bases (chr4:5,753,840-5,753,842); deleting any one gives the same sequence. VCF-style (leftmost placement, unchanged base first): chr4-5753839-AG-A. GRCh37 (hg19) VCF-style: chr4-5755566-AG-A.
Other names: c.1373del, p.Gly458fs (NM_001306090.2, NM_001306092.2); short protein forms G458fs.
Identifiers: ClinVar variation 555852 (VCV000555852.7), dbSNP rs760607210, ClinGen allele CA2836083.

ClinVar aggregate classification (germline): Pathogenic. Review status: criteria provided, multiple submitters, no conflicts (2 of 4 stars). 3 submissions from 3 submitters: Pathogenic (2). 1 of the submissions does not count toward it. Last evaluated 2024-10-10.

Conditions:
Curry-Hall syndrome (WAD). Also called: WEYERS ACRODENTAL DYSOSTOSIS. Identifiers: Orphanet 952, MedGen C0457013, MONDO:0008673, OMIM 193530.
Ellis-van Creveld syndrome (EVC). Also called: EVC2-Related Ellis-van Creveld Syndrome; EVC-Related Ellis-van Creveld Syndrome; MESOECTODERMAL DYSPLASIA; Chondroectodermal dysplasia. Identifiers: Orphanet 289, MedGen C0013903, MONDO:0009162, OMIM 225500.

Submissions (3):

Natera, Inc.
Classification: Pathogenic for Ellis-van Creveld syndrome. Last evaluated: 2024-10-10. Review status: criteria provided, single submitter. Criteria: Natera Variant Classification Schema (03/2026). Collection method: clinical testing. Allele origin: germline.
Comment: The c.1373delG variant in EVC is a frameshift variant predicted to shift the reading frame beginning at codon 458 and leads to a stop codon 42 codons downstream. This variant is expected to result in nonsense mediated decay, truncation, or a dysfunctional protein product. This variant is rare in the general population with a frequency below the threshold expected for the associated phenotype(s). This variant has been observed in one or more individuals affected with the associated recessive disease, as either homozygous or compound heterozygous with a second variant (PMID: 23220543). Given the available evidence, this variant is classified as Pathogenic.

Labcorp Genetics (formerly Invitae), Labcorp
Classification: Pathogenic for Curry-Hall syndrome; Ellis-van Creveld syndrome. Last evaluated: 2021-12-31. Review status: criteria provided, single submitter. Criteria: Invitae Variant Classification Sherloc (09022015). Collection method: clinical testing. Allele origin: germline.
Comment: This sequence change creates a premature translational stop signal (p.Gly458Glufs*42) in the EVC gene. It is expected to result in an absent or disrupted protein product. Loss-of-function variants in EVC are known to be pathogenic (PMID: 23220543). For these reasons, this variant has been classified as Pathogenic. ClinVar contains an entry for this variant (Variation ID: 555852). This premature translational stop signal has been observed in individual(s) with EVC-related conditions (PMID: 23220543). This variant is present in population databases (rs760607210, gnomAD 0.0009%).

Counsyl
Classification: Likely pathogenic for Ellis-van Creveld syndrome. Last evaluated: 2017-12-29. Review status: no assertion criteria provided. Collection method: clinical testing. Allele origin: unknown. Not counted in ClinVar's aggregate classification.

Literature cited by the submitters: PubMed 23220543 (cited by 3 submitters).